The following is an entry in ClinVar:

ClinVar aggregate classification (germline): Uncertain significance (1 of 4 stars; one submission).

gnomAD v4.1: 2 of 1,613,976 alleles (0.00012%); highest among the groups gnomAD compares: Admixed American, 0.0017%; no homozygotes.

Submission:

Labcorp Genetics (formerly Invitae), Labcorp
Classification: Uncertain significance. Last evaluated: 2023-04-24. Review status: criteria provided, single submitter. Criteria: Invitae Variant Classification Sherloc (09022015). Collection method: clinical testing. Allele origin: germline.
Comment: An algorithm developed to predict the effect of missense changes on protein structure and function (PolyPhen-2) suggests that this variant is likely to be disruptive. In summary, the available evidence is currently insufficient to determine the role of this variant in disease. Therefore, it has been classified as a Variant of Uncertain Significance. ClinVar contains an entry for this variant (Variation ID: 1955967). This variant has not been reported in the literature in individuals affected with EIF2B4-related conditions. This variant is present in population databases (no rsID available, gnomAD 0.003%). This sequence change replaces arginine, which is basic and polar, with glutamine, which is neutral and polar, at codon 94 of the EIF2B4 protein (p.Arg94Gln).

NM_001034116.2(EIF2B4):c.284G>A (p.Arg95Gln)

Gene: EIF2B4 (eukaryotic translation initiation factor 2B subunit delta; minus strand). Cytogenetic location: 2p23.3.
Variant type: single nucleotide variant.
Coding change: c.284G>A on transcript NM_001034116.2 (MANE Select); coding-DNA position 284, G replaced by A.
Protein change: p.Arg95Gln; replaces arginine 95 with glutamine.
Molecular consequence: missense variant. On other transcripts: 5 prime UTR variant (2).
Genome position (GRCh38, 1-based): chr2:27,369,140, C>T on the plus strand (G>A on the coding strand, the complement: EIF2B4 is on the minus strand). VCF-style: chr2-27369140-C-T. GRCh37 (hg19) VCF-style: chr2-27592007-C-T.
Other names: c.239G>A, p.Arg80Gln (NM_001318966.2); c.191G>A, p.Arg64Gln (NM_001318967.2); c.-232G>A (NM_001318968.2); c.-309G>A (NM_001318969.2); c.281G>A, p.Arg94Gln (NM_015636.4); c.347G>A, p.Arg116Gln (NM_001318965.2); c.344G>A, p.Arg115Gln (NM_172195.4); short protein forms R116Q, R80Q, R95Q, R115Q, R64Q, R94Q.
Identifiers: ClinVar variation 1955967 (VCV001955967.3), dbSNP rs1473812502, ClinGen allele CA346202389.